The following is an entry in ClinVar:

ClinVar aggregate classification (germline): Uncertain significance. Review status: criteria provided, multiple submitters, no conflicts (2 of 4 stars). 2 submissions from 2 submitters: Uncertain significance (2). Last evaluated 2023-02-01.

Conditions:
Severe early-onset pulmonary alveolar proteinosis due to MARS deficiency. Also called: PULMONARY ALVEOLAR PROTEINOSIS, REUNION ISLAND; Interstitial lung and liver disease. Identifiers: Orphanet 440427, MedGen C4225400, MONDO:0014206, OMIM 615486.
Charcot-Marie-Tooth disease axonal type 2U. Also called: CHARCOT-MARIE-TOOTH NEUROPATHY, TYPE 2U; CHARCOT-MARIE-TOOTH DISEASE, AXONAL, AUTOSOMAL DOMINANT, TYPE 2U. Identifiers: Orphanet 397735, MedGen C4084821, MONDO:0014566, OMIM 616280.

Allele frequency attached by ClinVar (database versions not stated): gnomAD exomes below 0.00001.
gnomAD v4.1: 1 of 1,614,184 alleles (0.000062%); highest among the groups gnomAD compares: Non-Finnish European, 0.000085%; no homozygotes.

Submissions (2):

Labcorp Genetics (formerly Invitae), Labcorp
Classification: Uncertain significance for Charcot-Marie-Tooth disease axonal type 2U; Severe early-onset pulmonary alveolar proteinosis due to MARS deficiency. Last evaluated: 2023-02-01. Review status: criteria provided, single submitter. Criteria: Invitae Variant Classification Sherloc (09022015). Collection method: clinical testing. Allele origin: germline.
Comment: This sequence change replaces histidine, which is basic and polar, with arginine, which is basic and polar, at codon 340 of the MARS protein (p.His340Arg). This variant is not present in population databases (gnomAD no frequency). This variant has not been reported in the literature in individuals affected with MARS-related conditions. ClinVar contains an entry for this variant (Variation ID: 1800067). Algorithms developed to predict the effect of missense changes on protein structure and function are either unavailable or do not agree on the potential impact of this missense change (SIFT: "Deleterious"; PolyPhen-2: "Probably Damaging"; Align-GVGD: "Class C0"). In summary, the available evidence is currently insufficient to determine the role of this variant in disease. Therefore, it has been classified as a Variant of Uncertain Significance.

Ambry Genetics
Classification: Uncertain significance. Last evaluated: 2022-04-26. Review status: criteria provided, single submitter. Criteria: Ambry Variant Classification Scheme 2023. Collection method: clinical testing. Allele origin: germline.
Comment: The p.H340R variant (also known as c.1019A>G), located in coding exon 9 of the MARS gene, results from an A to G substitution at nucleotide position 1019. The histidine at codon 340 is replaced by arginine, an amino acid with highly similar properties. This amino acid position is conserved. In addition, this alteration is predicted to be deleterious by in silico analysis. Since supporting evidence is limited at this time, the clinical significance of this alteration remains unclear.

NM_004990.4(MARS1):c.1019A>G (p.His340Arg)

Gene: MARS1 (methionyl-tRNA synthetase 1; plus strand). Cytogenetic location: 12q13.3.
Variant type: single nucleotide variant.
Coding change: c.1019A>G on transcript NM_004990.4 (MANE Select); coding-DNA position 1019, A replaced by G.
Protein change: p.His340Arg; replaces histidine 340 with arginine.
Molecular consequence: missense variant.
Genome position (GRCh38, 1-based): chr12:57,498,551, A>G. VCF-style: chr12-57498551-A-G. GRCh37 (hg19) VCF-style: chr12-57892334-A-G.
Other names: short protein forms H340R.
Identifiers: ClinVar variation 1800067 (VCV001800067.5), dbSNP rs2540286995, ClinGen allele CA385456020.